The following is an entry in ClinVar:

NM_001232.4(CASQ2):c.289A>G (p.Lys97Glu)

Gene: CASQ2 (calsequestrin 2; minus strand). Cytogenetic location: 1p13.1.
Variant type: single nucleotide variant.
Coding change: c.289A>G on transcript NM_001232.4 (MANE Select); coding-DNA position 289, A replaced by G.
Protein change: p.Lys97Glu; replaces lysine 97 with glutamic acid.
Molecular consequence: missense variant.
Genome position (GRCh38, 1-based): chr1:115,744,858, T>C on the plus strand (A>G on the coding strand, the complement: CASQ2 is on the minus strand). VCF-style: chr1-115744858-T-C. GRCh37 (hg19) VCF-style: chr1-116287479-T-C.
Other names: short protein forms K97E.
Identifiers: ClinVar variation 978365 (VCV000978365.16), dbSNP rs750159744, ClinGen allele CA1023958.

ClinVar aggregate classification (germline): Conflicting classifications of pathogenicity. Review status: criteria provided, conflicting classifications (1 of 4 stars). 6 submissions from 6 submitters: Uncertain significance (5); Likely benign (1). Last evaluated 2025-11-27.

Conditions:
Conduction disorder of the heart. Also called: Cardiac conduction defect. Identifiers: Orphanet 871, MedGen C0264886, MONDO:0100042, OMIM 115080.
Cardiovascular phenotype. Identifiers: MedGen CN230736.
Catecholaminergic polymorphic ventricular tachycardia 2. Also called: VENTRICULAR TACHYCARDIA, STRESS-INDUCED POLYMORPHIC 2; CASQ2-Related Catecholaminergic Polymorphic Ventricular Tachycardia. Identifiers: Orphanet 3286, MedGen C2677794, MONDO:0012762, OMIM 611938.
Catecholaminergic polymorphic ventricular tachycardia 1. Also called: VENTRICULAR TACHYCARDIA, CATECHOLAMINERGIC POLYMORPHIC, 1, WITH OR WITHOUT ATRIAL DYSFUNCTION AND/OR DILATED CARDIOMYOPATHY; VENTRICULAR TACHYCARDIA, STRESS-INDUCED POLYMORPHIC 1; RYR2-Related Catecholaminergic Polymorphic Ventricular Tachycardia. Identifiers: Orphanet 3286, MedGen C1631597, MONDO:0011484, OMIM 604772.

Allele frequency attached by ClinVar (database versions not stated): ExAC 0.00001; gnomAD 0.00001; gnomAD exomes 0.00002 and 0.00003; TOPMed 0.00003.
gnomAD v4.1: 48 of 1,613,886 alleles (0.003%); highest among the groups gnomAD compares: African/African-American, 0.004%; no homozygotes.

Submissions (6):

Labcorp Genetics (formerly Invitae), Labcorp
Classification: Uncertain significance for Catecholaminergic polymorphic ventricular tachycardia 1. Last evaluated: 2025-11-27. Review status: criteria provided, single submitter. Criteria: Invitae Variant Classification Sherloc (09022015). Collection method: clinical testing. Allele origin: germline.
Comment: This sequence change replaces lysine, which is basic and polar, with glutamic acid, which is acidic and polar, at codon 97 of the CASQ2 protein (p.Lys97Glu). This variant is present in population databases (rs750159744, gnomAD 0.007%). This variant has not been reported in the literature in individuals affected with CASQ2-related conditions. ClinVar contains an entry for this variant (Variation ID: 978365). Invitae Evidence Modeling of protein sequence and biophysical properties (such as structural, functional, and spatial information, amino acid conservation, physicochemical variation, residue mobility, and thermodynamic stability) has been performed for this missense variant. However, the output from this modeling did not meet the statistical confidence thresholds required to predict the impact of this variant on CASQ2 protein function. In summary, the available evidence is currently insufficient to determine the role of this variant in disease. Therefore, it has been classified as a Variant of Uncertain Significance.

Ambry Genetics
Classification: Likely benign for Cardiovascular phenotype. Last evaluated: 2025-09-25. Review status: criteria provided, single submitter. Criteria: Ambry Variant Classification Scheme 2023. Collection method: clinical testing. Allele origin: germline.

GeneDx
Classification: Uncertain significance. Last evaluated: 2024-12-10. Review status: criteria provided, single submitter. Criteria: GeneDx Variant Classification Process June 2021. Collection method: clinical testing. Allele origin: germline. Affected: yes.
Comment: Not observed at significant frequency in large population cohorts (gnomAD); In silico analysis indicates that this missense variant does not alter protein structure/function; Identified in an individual with exertion-related sudden unexplained death who harbored an additional cardiogenetic variant (PMID: 27114410); This variant is associated with the following publications: (PMID: 27114410)

Genome-Nilou Lab
Classification: Uncertain significance for Catecholaminergic polymorphic ventricular tachycardia 2. Last evaluated: 2023-04-11. Review status: criteria provided, single submitter. Criteria: ACMG Guidelines, 2015. Collection method: clinical testing. Allele origin: germline. Affected: no.

Blueprint Genetics
Classification: Uncertain significance. Last evaluated: 2020-08-12. Review status: criteria provided, single submitter. Criteria: ACMG Guidelines, 2015. Collection method: clinical testing. Allele origin: germline.

Molecular Diagnostic Laboratory for Inherited Cardiovascular Disease, Montreal Heart Institute
Classification: Uncertain significance for Conduction disorder of the heart. Last evaluated: 2020-02-03. Review status: criteria provided, single submitter. Criteria: ACMG Guidelines, 2015. Collection method: clinical testing. Allele origin: germline. Affected: yes.

Literature cited by the submitters: PubMed 27114410 (cited by Ambry Genetics).